The following is an entry in ClinVar:

NM_198578.4(LRRK2):c.5020_5023del (p.Ser1674fs)

Gene: LRRK2 (leucine rich repeat kinase 2; plus strand). Cytogenetic location: 12q12.
Variant type: Deletion.
Coding change: c.5020_5023del on transcript NM_198578.4 (MANE Select); coding-DNA positions 5020 to 5023, 4 bases deleted (TCTG; older notation c.5020_5023delTCTG).
Protein change: p.Ser1674fs; shifts the reading frame from serine 1674.
Molecular consequence: frameshift variant.
Genome position (GRCh38, 1-based): chr12:40,321,038-40,321,041, TCTG deleted; deleting any 4 consecutive bases within chr12:40,321,036-40,321,041 gives the same sequence; the c. name uses the placement nearest the transcript's 3' end. VCF-style (leftmost placement, unchanged base first): chr12-40321035-TTGTC-T. GRCh37 (hg19) VCF-style: chr12-40714837-TTGTC-T.
Other names: short protein forms S1674fs.
Identifiers: ClinVar variation 2724720 (VCV002724720.3), dbSNP rs749133568, ClinGen allele CA6514352.

ClinVar aggregate classification (germline): Uncertain significance (1 of 4 stars; one submission).

Conditions:
Autosomal dominant Parkinson disease 8. Also called: Parkinson disease 8, susceptibility to; LRRK2-Related Parkinson Disease; Parkinson disease 8. Identifiers: Orphanet 411602, MedGen C1846862, MONDO:0011764, OMIM 607060.

Submission:

Labcorp Genetics (formerly Invitae), Labcorp
Classification: Uncertain significance for Autosomal dominant Parkinson disease 8. Last evaluated: 2023-01-27. Review status: criteria provided, single submitter. Criteria: Invitae Variant Classification Sherloc (09022015). Collection method: clinical testing. Allele origin: germline.
Comment: This sequence change creates a premature translational stop signal (p.Ser1674Thrfs*5) in the LRRK2 gene. It is expected to result in an absent or disrupted protein product. However, the current clinical and genetic evidence is not sufficient to establish whether loss-of-function variants in LRRK2 cause disease. This variant is present in population databases (rs749133568, gnomAD 0.02%). This variant has not been reported in the literature in individuals affected with LRRK2-related conditions. In summary, the available evidence is currently insufficient to determine the role of this variant in disease. Therefore, it has been classified as a Variant of Uncertain Significance.